The following is an entry in ClinVar:

ClinVar aggregate classification (germline): Uncertain significance (1 of 4 stars; one submission).

Submission:

GeneDx
Classification: Uncertain significance. Last evaluated: 2023-06-14. Review status: criteria provided, single submitter. Criteria: GeneDx Variant Classification Process June 2021. Collection method: clinical testing. Allele origin: germline. Affected: yes.
Comment: Not observed at significant frequency in large population cohorts (gnomAD); In silico analysis supports that this missense variant has a deleterious effect on protein structure/function; Has not been previously published as pathogenic or benign to our knowledge

NM_005257.6(GATA6):c.1700G>A (p.Gly567Glu)

Gene: GATA6 (GATA binding protein 6; plus strand). Cytogenetic location: 18q11.2.
Variant type: single nucleotide variant.
Coding change: c.1700G>A on transcript NM_005257.6 (MANE Select); coding-DNA position 1700, G replaced by A.
Protein change: p.Gly567Glu; replaces glycine 567 with glutamic acid.
Molecular consequence: missense variant.
Genome position (GRCh38, 1-based): chr18:22,200,735, G>A. VCF-style: chr18-22200735-G-A. GRCh37 (hg19) VCF-style: chr18-19780698-G-A.
Other names: short protein forms G567E.
Identifiers: ClinVar variation 3359945 (VCV003359945.1).